The following is an entry in ClinVar:

NM_016734.3(PAX5):c.854C>G (p.Thr285Ser)

Gene: PAX5 (paired box 5; minus strand). Cytogenetic location: 9p13.2.
Variant type: single nucleotide variant.
Coding change: c.854C>G on transcript NM_016734.3 (MANE Select); coding-DNA position 854, C replaced by G.
Protein change: p.Thr285Ser; replaces threonine 285 with serine.
Molecular consequence: missense variant. On other transcripts: intron variant (2).
Genome position (GRCh38, 1-based): chr9:36,923,411, G>C on the plus strand (C>G on the coding strand, the complement: PAX5 is on the minus strand). VCF-style: chr9-36923411-G-C. GRCh37 (hg19) VCF-style: chr9-36923408-G-C.
Other names: c.854C>G, p.Thr285Ser (NM_001280547.2, NM_001280548.2, NM_001280552.2); c.530C>G, p.Thr177Ser (NM_001280551.2, NM_001280556.2); c.725C>G, p.Thr242Ser (NM_001280553.2, NM_001280554.2); c.656C>G, p.Thr219Ser (NM_001280555.2); c.780+43138C>G (NM_001280550.2, NM_001280549.2); short protein forms T177S, T219S, T242S, T285S.
Identifiers: ClinVar variation 4861608 (VCV004861608.1).

ClinVar aggregate classification (germline): Uncertain significance (1 of 4 stars; one submission).

Conditions:
Inborn genetic diseases. Identifiers: MedGen C0950123, MeSH D030342.

Submission:

Ambry Genetics
Classification: Uncertain significance for Inborn genetic diseases. Last evaluated: 2026-04-19. Review status: criteria provided, single submitter. Criteria: Ambry Variant Classification Scheme 2023. Collection method: clinical testing. Allele origin: germline.
Comment: The p.T285S variant (also known as c.854C>G), located in coding exon 7 of the PAX5 gene, results from a C to G substitution at nucleotide position 854. The threonine at codon 285 is replaced by serine, an amino acid with similar properties. This amino acid position is conserved. In addition, the in silico prediction for this alteration is inconclusive. Based on the available evidence, the clinical significance of this variant remains unclear.